The following is an entry in ClinVar:

NM_002890.3(RASA1):c.2872C>T (p.Pro958Ser)

Genes: CCNH (cyclin H; minus strand), RASA1 (RAS p21 protein activator 1; plus strand). Cytogenetic location: 5q14.3.
Variant type: single nucleotide variant.
Coding change: c.2872C>T on transcript NM_002890.3 (MANE Select); coding-DNA position 2872, C replaced by T.
Protein change: p.Pro958Ser; replaces proline 958 with serine.
Molecular consequence: missense variant. On other transcripts: intron variant (1).
Genome position (GRCh38, 1-based): chr5:87,386,850, C>T. VCF-style: chr5-87386850-C-T. GRCh37 (hg19) VCF-style: chr5-86682667-C-T.
Other names: c.2341C>T, p.Pro781Ser (NM_022650.3); c.933+8194G>A (NM_001364075.2); short protein forms P781S, P958S.
Identifiers: ClinVar variation 2917825 (VCV002917825.4), dbSNP rs1313269518, ClinGen allele CA360386944.

ClinVar aggregate classification (germline): Uncertain significance. Review status: criteria provided, multiple submitters, no conflicts (2 of 4 stars). 2 submissions from 2 submitters: Uncertain significance (2). Last evaluated 2025-12-15.

Conditions:
Cardiovascular phenotype. Identifiers: MedGen CN230736.
Capillary malformation-arteriovenous malformation syndrome. Also called: Capillary malformation-arteriovenous malformation. Identifiers: Orphanet 137667, MedGen C1842180, MONDO:0012016.

Submissions (2):

Labcorp Genetics (formerly Invitae), Labcorp
Classification: Uncertain significance for Capillary malformation-arteriovenous malformation syndrome. Last evaluated: 2025-12-15. Review status: criteria provided, single submitter. Criteria: Invitae Variant Classification Sherloc (09022015). Collection method: clinical testing. Allele origin: germline.
Comment: This sequence change replaces proline, which is neutral and non-polar, with serine, which is neutral and polar, at codon 958 of the RASA1 protein (p.Pro958Ser). This variant is not present in population databases (gnomAD no frequency). This variant has not been reported in the literature in individuals affected with RASA1-related conditions. ClinVar contains an entry for this variant (Variation ID: 2917825). An algorithm developed to predict the effect of missense changes on protein structure and function (PolyPhen-2) suggests that this variant is likely to be disruptive. In summary, the available evidence is currently insufficient to determine the role of this variant in disease. Therefore, it has been classified as a Variant of Uncertain Significance.

Ambry Genetics
Classification: Uncertain significance for Cardiovascular phenotype. Last evaluated: 2024-05-21. Review status: criteria provided, single submitter. Criteria: Ambry Variant Classification Scheme 2023. Collection method: clinical testing. Allele origin: germline.
Comment: The p.P958S variant (also known as c.2872C>T), located in coding exon 23 of the RASA1 gene, results from a C to T substitution at nucleotide position 2872. The proline at codon 958 is replaced by serine, an amino acid with similar properties. This amino acid position is conserved. In addition, the in silico prediction for this alteration is inconclusive. Based on the available evidence, the clinical significance of this variant remains unclear.